The following is an entry in ClinVar:

NM_005879.3(TRAIP):c.1004G>T (p.Gly335Val)

Gene: TRAIP (TRAF interacting protein; minus strand). Cytogenetic location: 3p21.31.
Variant type: single nucleotide variant.
Coding change: c.1004G>T on transcript NM_005879.3 (MANE Select); coding-DNA position 1004, G replaced by T.
Protein change: p.Gly335Val; replaces glycine 335 with valine.
Molecular consequence: missense variant.
Genome position (GRCh38, 1-based): chr3:49,831,949, C>A on the plus strand (G>T on the coding strand, the complement: TRAIP is on the minus strand). VCF-style: chr3-49831949-C-A. GRCh37 (hg19) VCF-style: chr3-49869382-C-A.
Other names: short protein forms G335V.
Identifiers: ClinVar variation 729558 (VCV000729558.28), dbSNP rs144992965, ClinGen allele CA2407630.

ClinVar aggregate classification (germline): Likely benign. Review status: criteria provided, multiple submitters, no conflicts (2 of 4 stars). 4 submissions from 4 submitters: Likely benign (3). 1 of the submissions does not count toward it. Last evaluated 2026-07-01.

Conditions:
TRAIP-related disorder. Also called: TRAIP-related condition.

Allele frequency attached by ClinVar (database versions not stated): 1000 Genomes Project 0.00120; TOPMed 0.00123; 1000 Genomes Project 30x 0.00141; ESP Exome Variant Server 0.00169.
gnomAD v4.1: 3,033 of 1,597,656 alleles (0.19%); highest among the groups gnomAD compares: Non-Finnish European, 0.23%; 5 homozygotes.

Submissions (4):

CeGaT Center for Human Genetics Tuebingen
Classification: Likely benign. Last evaluated: 2026-07-01. Review status: criteria provided, single submitter. Criteria: CeGaT Center For Human Genetics Tuebingen Variant Classification Criteria Version 2. Collection method: clinical testing. Allele origin: germline. Affected: yes. Observed: 3 variant alleles.
Comment: TRAIP: BP4

Labcorp Genetics (formerly Invitae), Labcorp
Classification: Likely benign. Last evaluated: 2025-12-20. Review status: criteria provided, single submitter. Criteria: Invitae Variant Classification Sherloc (09022015). Collection method: clinical testing. Allele origin: germline.

Breakthrough Genomics
Classification: Likely benign. Review status: criteria provided, single submitter. Criteria: ACMG Guidelines, 2015. Collection method: not provided. Allele origin: germline. Inheritance: Autosomal recessive inheritance. Affected: yes.

PreventionGenetics, part of Exact Sciences
Classification: Likely benign for TRAIP-related condition. Last evaluated: 2022-03-11. Review status: no assertion criteria provided. Collection method: clinical testing. Allele origin: germline. Not counted in ClinVar's aggregate classification.
Comment: This variant is classified as likely benign based on ACMG/AMP sequence variant interpretation guidelines (Richards et al. 2015 PMID: 25741868, with internal and published modifications).